The following is an entry in ClinVar:

ClinVar aggregate classification (germline): Conflicting classifications of pathogenicity. Review status: criteria provided, conflicting classifications (1 of 4 stars). 2 submissions from 2 submitters: Uncertain significance (1); Likely benign (1). Last evaluated 2026-04-10.

Conditions:
EP300-related disorder. Also called: EP300-related condition; EP300-related disorders.
Rubinstein-Taybi syndrome due to EP300 haploinsufficiency. Also called: EP300-Related Rubinstein-Taybi Syndrome; RUBINSTEIN-TAYBI SYNDROME 2. Identifiers: Orphanet 353284, Orphanet 783, MedGen C3150941, MONDO:0013364, OMIM 613684.

Allele frequency attached by ClinVar (database versions not stated): TOPMed 0.00001.
gnomAD v4.1: 5 of 1,614,206 alleles (0.00031%); highest among the groups gnomAD compares: Middle Eastern, 0.016%; no homozygotes.

Submissions (2):

PreventionGenetics, part of Exact Sciences
Classification: Uncertain significance for EP300-related condition. Last evaluated: 2026-04-10. Review status: criteria provided, single submitter. Criteria: ACMG Guidelines, 2015. Collection method: clinical testing. Allele origin: germline.
Comment: The EP300 c.6166C>T variant is predicted to result in the amino acid substitution p.Arg2056Trp. To our knowledge, this variant has not been reported in the literature. This variant is reported in 0.0033% of alleles in individuals of South Asian descent in gnomAD. At this time, the clinical significance of this variant is uncertain due to the absence of conclusive functional and genetic evidence.

Labcorp Genetics (formerly Invitae), Labcorp
Classification: Likely benign for Rubinstein-Taybi syndrome due to EP300 haploinsufficiency. Last evaluated: 2023-10-13. Review status: criteria provided, single submitter. Criteria: Invitae Variant Classification Sherloc (09022015). Collection method: clinical testing. Allele origin: germline.

NM_001429.4(EP300):c.6166C>T (p.Arg2056Trp)

Gene: EP300 (EP300 lysine acetyltransferase; plus strand). Cytogenetic location: 22q13.2.
Variant type: single nucleotide variant.
Coding change: c.6166C>T on transcript NM_001429.4 (MANE Select); coding-DNA position 6166, C replaced by T.
Protein change: p.Arg2056Trp; replaces arginine 2056 with tryptophan.
Molecular consequence: missense variant.
Genome position (GRCh38, 1-based): chr22:41,177,877, C>T. VCF-style: chr22-41177877-C-T. GRCh37 (hg19) VCF-style: chr22-41573881-C-T.
Other names: c.6088C>T, p.Arg2030Trp (NM_001362843.2); c.6166C>T (NM_001429.3); short protein forms R2030W, R2056W.
Identifiers: ClinVar variation 2737631 (VCV002737631.4), dbSNP rs752770043, ClinGen allele CA411680855.
Genomic context (GRCh38, chr22:41,177,877, plus strand): 5'-GTAGGTATCAGCCCACTCAAACCAGGCACTGTGTCTCAACAAGCCTTACAAAACCTTTTG[C>T]GGACTCTCAGGTCTCCCAGCTCTCCCCTGCAGCAGCAACAGGTGCTTAGTATCCTTCACG-3'
Protein context (NP_001420.2, residues 2046-2066): VSQQALQNLL[Arg2056Trp]TLRSPSSPLQ